The following is an entry in ClinVar:

ClinVar aggregate classification (germline): Uncertain significance (1 of 4 stars; one submission).

Allele frequency attached by ClinVar (database versions not stated): ExAC 0.00001; gnomAD exomes 0.00001.
gnomAD v4.1: 14 of 1,614,058 alleles (0.00087%); highest among the groups gnomAD compares: African/African-American, 0.0013%; no homozygotes.

Submission:

Labcorp Genetics (formerly Invitae), Labcorp
Classification: Uncertain significance. Last evaluated: 2025-12-21. Review status: criteria provided, single submitter. Criteria: Invitae Variant Classification Sherloc (09022015). Collection method: clinical testing. Allele origin: germline.
Comment: This sequence change replaces arginine, which is basic and polar, with cysteine, which is neutral and slightly polar, at codon 1476 of the MYH3 protein (p.Arg1476Cys). This variant is present in population databases (rs765630141, gnomAD 0.0009%). This variant has not been reported in the literature in individuals affected with MYH3-related conditions. ClinVar contains an entry for this variant (Variation ID: 1936771). Invitae Evidence Modeling of protein sequence and biophysical properties (such as structural, functional, and spatial information, amino acid conservation, physicochemical variation, residue mobility, and thermodynamic stability) indicates that this missense variant is not expected to disrupt MYH3 protein function with a negative predictive value of 95%. In summary, the available evidence is currently insufficient to determine the role of this variant in disease. Therefore, it has been classified as a Variant of Uncertain Significance.

NM_002470.4(MYH3):c.4426C>T (p.Arg1476Cys)

Genes: MYH3 (myosin heavy chain 3; minus strand), LOC130060295 (ATAC-STARR-seq lymphoblastoid active region 11731; plus strand). Cytogenetic location: 17p13.1.
Variant type: single nucleotide variant.
Coding change: c.4426C>T on transcript NM_002470.4 (MANE Select); coding-DNA position 4426, C replaced by T.
Protein change: p.Arg1476Cys; replaces arginine 1476 with cysteine.
Molecular consequence: missense variant.
Genome position (GRCh38, 1-based): chr17:10,634,113, G>A on the plus strand (C>T on the coding strand, the complement: MYH3 is on the minus strand). VCF-style: chr17-10634113-G-A. GRCh37 (hg19) VCF-style: chr17-10537430-G-A.
Other names: short protein forms R1476C.
Identifiers: ClinVar variation 1936771 (VCV001936771.5), dbSNP rs765630141, ClinGen allele CA8392232.